The following is an entry in ClinVar:

NM_003611.3(OFD1):c.975dup (p.Glu326Ter)

Gene: OFD1 (OFD1 centriole and centriolar satellite protein; plus strand). Cytogenetic location: Xp22.2.
Variant type: Duplication.
Coding change: c.975dup on transcript NM_003611.3 (MANE Select); coding-DNA position 975, one base duplicated (T; older notation c.975dupT).
Protein change: p.Glu326Ter; replaces glutamic acid 326 with a stop codon.
Molecular consequence: nonsense. On other transcripts: intron variant (2).
Genome position (GRCh38, 1-based): chrX:13,751,288, T duplicated. VCF-style (leftmost placement, unchanged base first): chrX-13751287-C-CT. GRCh37 (hg19) VCF-style: chrX-13769406-C-CT.
Other names: c.555dup, p.Glu186Ter (NM_001330210.2); c.975dup, p.Glu326Ter (NM_001440947.1); c.935+1755dup (NM_001330209.2, NM_001440948.1); short protein forms E186*, E326*.
Identifiers: ClinVar variation 5038197 (VCV005038197.1).

ClinVar aggregate classification (germline): Likely pathogenic (1 of 4 stars; one submission).

Conditions:
Orofaciodigital syndrome I (OFD1). Also called: OFDS I; Oral-Facial-Digital Syndrome Type I; Papillon-Leage and Psaume Syndrome. Identifiers: Orphanet 2750, MedGen C1510460, MONDO:0010702, OMIM 311200.

Submission:

MVZ Medizinische Genetik Mainz
Classification: Likely pathogenic for Orofaciodigital syndrome I. Last evaluated: 2026-01-06. Review status: criteria provided, single submitter. Criteria: UK Practice Guidelines For Variant Classification V4 01 2020. Collection method: clinical testing. Allele origin: germline. Inheritance: X-linked dominant inheritance. Affected: yes. Observed: 1 variant allele.
Comment: ACMG Criteria: PVS1,PM2_SUP